The following is an entry in ClinVar:

ClinVar aggregate classification (germline): Conflicting classifications of pathogenicity. Review status: criteria provided, conflicting classifications (1 of 4 stars). 2 submissions from 2 submitters: Uncertain significance (1); Benign (1). Last evaluated 2023-12-04.

Conditions:
Hereditary cancer-predisposing syndrome. Also called: Hereditary neoplastic syndrome; Neoplastic Syndromes, Hereditary; Hereditary Cancer Syndrome; Tumor predisposition. Identifiers: Orphanet 140162, MedGen C0027672, MeSH D009386, MONDO:0015356.
Tuberous sclerosis 2 (TSC2). Identifiers: Orphanet 805, MedGen C1860707, MONDO:0013199, OMIM 613254.

Allele frequency attached by ClinVar (database versions not stated): gnomAD exomes below 0.00001; gnomAD 0.00001; TOPMed 0.00001.
gnomAD v4.1: 4 of 1,595,564 alleles (0.00025%); highest among the groups gnomAD compares: African/African-American, 0.0053%; no homozygotes.

Submissions (2):

Ambry Genetics
Classification: Uncertain significance for Hereditary cancer-predisposing syndrome. Last evaluated: 2023-12-04. Review status: criteria provided, single submitter. Criteria: Ambry Variant Classification Scheme 2023. Collection method: clinical testing. Allele origin: germline.
Comment: The p.S1304C variant (also known as c.3910A>T), located in coding exon 32 of the TSC2 gene, results from an A to T substitution at nucleotide position 3910. The serine at codon 1304 is replaced by cysteine, an amino acid with dissimilar properties. This amino acid position is conserved. In addition, this alteration is predicted to be tolerated by in silico analysis. Since supporting evidence is limited at this time, the clinical significance of this alteration remains unclear.

Labcorp Genetics (formerly Invitae), Labcorp
Classification: Benign for Tuberous sclerosis 2. Last evaluated: 2023-03-09. Review status: criteria provided, single submitter. Criteria: Invitae Variant Classification Sherloc (09022015). Collection method: clinical testing. Allele origin: germline.

NM_000548.5(TSC2):c.3910A>T (p.Ser1304Cys)

Gene: TSC2 (TSC complex subunit 2; plus strand). Cytogenetic location: 16p13.3.
Variant type: single nucleotide variant.
Coding change: c.3910A>T on transcript NM_000548.5 (MANE Select); coding-DNA position 3910, A replaced by T.
Protein change: p.Ser1304Cys; replaces serine 1304 with cysteine.
Molecular consequence: missense variant.
Genome position (GRCh38, 1-based): chr16:2,083,721, A>T. VCF-style: chr16-2083721-A-T. GRCh37 (hg19) VCF-style: chr16-2133722-A-T.
Other names: c.3709A>T, p.Ser1237Cys (NM_001077183.3); c.3841A>T, p.Ser1281Cys (NM_001114382.3); c.3601A>T, p.Ser1201Cys (NM_001318827.2); c.3565A>T, p.Ser1189Cys (NM_001318829.2); c.3712A>T, p.Ser1238Cys (NM_001363528.2); c.3778A>T, p.Ser1260Cys (NM_001370404.1); c.3178A>T, p.Ser1060Cys (NM_001318831.2); c.3742A>T, p.Ser1248Cys (NM_001318832.2); and 1 more; short protein forms S1304C, S1201C, S1248C, S1060C, S1238C, S1261C, S1281C, S1189C.
Identifiers: ClinVar variation 573648 (VCV000573648.9), dbSNP rs1305173000, ClinGen allele CA394297015.